The following is an entry in ClinVar:

ClinVar aggregate classification (germline): Uncertain significance (1 of 4 stars; one submission).

gnomAD v4.1: 1 of 1,611,230 alleles (0.000062%); highest among the groups gnomAD compares: East Asian, 0.0022%; no homozygotes.

Submission:

Labcorp Genetics (formerly Invitae), Labcorp
Classification: Uncertain significance. Last evaluated: 2025-08-04. Review status: criteria provided, single submitter. Criteria: Invitae Variant Classification Sherloc (09022015). Collection method: clinical testing. Allele origin: germline.
Comment: This sequence change replaces methionine, which is neutral and non-polar, with isoleucine, which is neutral and non-polar, at codon 984 of the DSG1 protein (p.Met984Ile). This variant is present in population databases (rs749506671, gnomAD 0.006%). This variant has not been reported in the literature in individuals affected with DSG1-related conditions. An algorithm developed to predict the effect of missense changes on protein structure and function (PolyPhen-2) suggests that this variant is likely to be tolerated. In summary, the available evidence is currently insufficient to determine the role of this variant in disease. Therefore, it has been classified as a Variant of Uncertain Significance.

NM_001942.4(DSG1):c.2952G>T (p.Met984Ile)

Genes: DSG1 (desmoglein 1; plus strand), DSG1-AS1 (DSG1 antisense RNA 1; minus strand). Cytogenetic location: 18q12.1.
Variant type: single nucleotide variant.
Coding change: c.2952G>T on transcript NM_001942.4 (MANE Select); coding-DNA position 2952, G replaced by T.
Protein change: p.Met984Ile; replaces methionine 984 with isoleucine.
Molecular consequence: missense variant.
Genome position (GRCh38, 1-based): chr18:31,355,148, G>T. VCF-style: chr18-31355148-G-T. GRCh37 (hg19) VCF-style: chr18-28935111-G-T.
Other names: short protein forms M984I.
Identifiers: ClinVar variation 4724829 (VCV004724829.1).